The following is an entry in ClinVar:

NM_002661.5(PLCG2):c.3004C>A (p.Leu1002Ile)

Gene: PLCG2 (phospholipase C gamma 2; plus strand). Cytogenetic location: 16q23.3.
Variant type: single nucleotide variant.
Coding change: c.3004C>A on transcript NM_002661.5 (MANE Select); coding-DNA position 3004, C replaced by A.
Protein change: p.Leu1002Ile; replaces leucine 1002 with isoleucine.
Molecular consequence: missense variant.
Genome position (GRCh38, 1-based): chr16:81,936,330, C>A. VCF-style: chr16-81936330-C-A. GRCh37 (hg19) VCF-style: chr16-81969935-C-A.
Other names: c.3004C>A, p.Leu1002Ile (NM_001425749.1, NM_001425750.1, NM_001425751.1); short protein forms L1002I.
Identifiers: ClinVar variation 2740212 (VCV002740212.4), dbSNP rs977656147, ClinGen allele CA285188128.

ClinVar aggregate classification (germline): Uncertain significance. Review status: criteria provided, multiple submitters, no conflicts (2 of 4 stars). 2 submissions from 2 submitters: Uncertain significance (2). Last evaluated 2025-12-17.

Conditions:
Inborn genetic diseases. Identifiers: MedGen C0950123, MeSH D030342.
Familial cold autoinflammatory syndrome 3 (FCAS3). Also called: FAMILIAL ATYPICAL COLD URTICARIA; ANTIBODY DEFICIENCY AND IMMUNE DYSREGULATION, PLCG2-ASSOCIATED. Identifiers: Orphanet 300359, MedGen C3280914, MONDO:0013766, OMIM 614468.

gnomAD v4.1: 11 of 1,614,092 alleles (0.00068%); highest among the groups gnomAD compares: African/African-American, 0.0013%; no homozygotes.

Submissions (2):

Labcorp Genetics (formerly Invitae), Labcorp
Classification: Uncertain significance for Familial cold autoinflammatory syndrome 3. Last evaluated: 2025-12-17. Review status: criteria provided, single submitter. Criteria: Invitae Variant Classification Sherloc (09022015). Collection method: clinical testing. Allele origin: germline.
Comment: This sequence change replaces leucine, which is neutral and non-polar, with isoleucine, which is neutral and non-polar, at codon 1002 of the PLCG2 protein (p.Leu1002Ile). This variant is present in population databases (no rsID available, gnomAD 0.004%). This variant has not been reported in the literature in individuals affected with PLCG2-related conditions. ClinVar contains an entry for this variant (Variation ID: 2740212). An algorithm developed to predict the effect of missense changes on protein structure and function (PolyPhen-2) suggests that this variant is likely to be disruptive. In summary, the available evidence is currently insufficient to determine the role of this variant in disease. Therefore, it has been classified as a Variant of Uncertain Significance.

Ambry Genetics
Classification: Uncertain significance for Inborn genetic diseases. Last evaluated: 2024-09-02. Review status: criteria provided, single submitter. Criteria: Ambry Variant Classification Scheme 2023. Collection method: clinical testing. Allele origin: germline.